The following is an entry in ClinVar:

NM_004746.4(DLGAP1):c.1083G>C (p.Thr361=)

Gene: DLGAP1 (DLG associated protein 1; minus strand). Cytogenetic location: 18p11.31.
Variant type: single nucleotide variant.
Coding change: c.1083G>C on transcript NM_004746.4 (MANE Select); coding-DNA position 1083, G replaced by C.
Protein change: p.Thr361=; no amino-acid change (threonine 361 retained).
Molecular consequence: synonymous variant.
Genome position (GRCh38, 1-based): chr18:3,814,148, C>G on the plus strand (G>C on the coding strand, the complement: DLGAP1 is on the minus strand). VCF-style: chr18-3814148-C-G. GRCh37 (hg19) VCF-style: chr18-3814148-C-G.
Other names: c.177G>C, p.Thr59= (NM_001003809.3, NM_001242765.2, NM_001242766.2 and 1 more transcripts); c.1083G>C, p.Thr361= (NM_001242761.2, NM_001398525.1, NM_001398526.1 and 2 more transcripts); c.219G>C, p.Thr73= (NM_001242762.2, NM_001242763.2, NM_001398533.1 and 2 more transcripts); c.201G>C, p.Thr67= (NM_001242764.2, NM_001308390.2, NM_001398541.1 and 2 more transcripts); c.333G>C, p.Thr111= (NM_001398530.1, NM_001398535.1); c.315G>C, p.Thr105= (NM_001398531.1, NM_001398537.1); c.207G>C, p.Thr69= (NM_001398532.1, NM_001398534.1, NM_001398540.1 and 1 more transcripts); c.291G>C, p.Thr97= (NM_001398536.1).
Identifiers: ClinVar variation 3060984 (VCV003060984.2), dbSNP rs3786431, ClinGen allele CA8876533.

ClinVar aggregate classification (germline): Benign (0 of 4 stars; one submission).

Conditions:
DLGAP1-related disorder. Also called: DLGAP1-related condition.

Allele frequency attached by ClinVar (database versions not stated): ESP Exome Variant Server 0.10787; TOPMed 0.11047; 1000 Genomes Project 0.13339; 1000 Genomes Project 30x 0.13523.
gnomAD v4.1: 80,609 of 1,613,844 alleles (5%); highest among the groups gnomAD compares: African/African-American, 25%; 4,261 homozygotes.

Submission:

PreventionGenetics, part of Exact Sciences
Classification: Benign for DLGAP1-related condition. Last evaluated: 2019-06-04. Review status: no assertion criteria provided. Collection method: clinical testing. Allele origin: germline.
Comment: This variant is classified as benign based on ACMG/AMP sequence variant interpretation guidelines (Richards et al. 2015 PMID: 25741868, with internal and published modifications).